The following is an entry in ClinVar:

ClinVar aggregate classification (germline): Uncertain significance. Review status: criteria provided, multiple submitters, no conflicts (2 of 4 stars). 5 submissions from 5 submitters: Uncertain significance (5). Last evaluated 2025-10-29.

Conditions:
Arthrogryposis multiplex congenita 3, myogenic type. Also called: ARTHROGRYPOSIS MULTIPLEX CONGENITA, MYOGENIC TYPE. Identifiers: MedGen C5193121, MONDO:0032778, OMIM 618484.
Autosomal recessive ataxia, Beauce type. Also called: Spinocerebellar ataxia, autosomal recessive 8; ATAXIA, RECESSIVE, OF BEAUCE; SYNE1 Deficiency; SYNE1-Related Autosomal Recessive Cerebellar Ataxia. Identifiers: Orphanet 88644, MedGen C1853116, MONDO:0012549, OMIM 610743.
Emery-Dreifuss muscular dystrophy 4, autosomal dominant (EDMD4). Also called: EMERY-DREIFUSS MUSCULAR DYSTROPHY 4 WITH VARIABLE FEATURES. Identifiers: Orphanet 261, MedGen C2751807, MONDO:0013071, OMIM 612998.

Allele frequency attached by ClinVar (database versions not stated): ESP Exome Variant Server 0.00008; gnomAD exomes 0.00008 and 0.00003; TOPMed 0.00009; gnomAD 0.00003; ExAC 0.00005.
gnomAD v4.1: 47 of 1,613,504 alleles (0.0029%); highest among the groups gnomAD compares: Admixed American, 0.042%; no homozygotes.

Submissions (5):

Women's Health and Genetics/Laboratory Corporation of America, LabCorp
Classification: Uncertain significance. Last evaluated: 2025-10-29. Review status: criteria provided, single submitter. Criteria: LabCorp Variant Classification Summary - May 2015. Collection method: clinical testing. Allele origin: germline.
Comment: Variant summary: SYNE1 c.241C>T (p.Arg81Cys) results in a non-conservative amino acid change in the encoded protein sequence. Algorithms developed to predict the effect of missense changes on protein structure and function all suggest that this variant is likely to be disruptive. The variant allele was found at a frequency of 8e-05 in 250808 control chromosomes. This frequency is not significantly higher than estimated for disease-causing variants in SYNE1, allowing no conclusion about variant significance. To our knowledge, no occurrence of c.241C>T in individuals affected with SYNE1-related conditions and no experimental evidence demonstrating its impact on protein function have been reported. The following publication has been ascertained in the context of this evaluation (PMID: 26510091). ClinVar contains an entry for this variant (Variation ID: 285295). Based on the evidence outlined above, the variant was classified as uncertain significance.

Labcorp Genetics (formerly Invitae), Labcorp
Classification: Uncertain significance for Emery-Dreifuss muscular dystrophy 4, autosomal dominant; Autosomal recessive ataxia, Beauce type. Last evaluated: 2022-08-31. Review status: criteria provided, single submitter. Criteria: Invitae Variant Classification Sherloc (09022015). Collection method: clinical testing. Allele origin: germline.
Comment: This sequence change replaces arginine, which is basic and polar, with cysteine, which is neutral and slightly polar, at codon 81 of the SYNE1 protein (p.Arg81Cys). This variant is present in population databases (rs375917264, gnomAD 0.05%). This variant has not been reported in the literature in individuals affected with SYNE1-related conditions. ClinVar contains an entry for this variant (Variation ID: 285295). Algorithms developed to predict the effect of missense changes on protein structure and function are either unavailable or do not agree on the potential impact of this missense change (SIFT: "Deleterious"; PolyPhen-2: "Possibly Damaging"; Align-GVGD: "Class C0"). In summary, the available evidence is currently insufficient to determine the role of this variant in disease. Therefore, it has been classified as a Variant of Uncertain Significance.

Revvity Omics, Revvity
Classification: Uncertain significance. Last evaluated: 2022-08-22. Review status: criteria provided, single submitter. Criteria: ACMG Guidelines, 2015. Collection method: clinical testing. Allele origin: germline.

Baylor Genetics
Classification: Uncertain significance for Arthrogryposis multiplex congenita 3, myogenic type. Last evaluated: 2021-03-10. Review status: criteria provided, single submitter. Criteria: ACMG Guidelines, 2015. Collection method: clinical testing. Allele origin: unknown.

Eurofins Ntd Llc (ga)
Classification: Uncertain significance. Last evaluated: 2015-12-17. Review status: criteria provided, single submitter. Criteria: EGL Classification Definitions 2015. Collection method: clinical testing. Allele origin: germline. Observed: 2 variant alleles, 2 heterozygotes.

Literature cited by the submitters: PubMed 26510091 (cited by Women's Health and Genetics/Laboratory Corporation of America, LabCorp).

NM_182961.4(SYNE1):c.241C>T (p.Arg81Cys)

Gene: SYNE1 (spectrin repeat containing nuclear envelope protein 1; minus strand). Cytogenetic location: 6q25.2.
Variant type: single nucleotide variant.
Coding change: c.241C>T on transcript NM_182961.4 (MANE Select); coding-DNA position 241, C replaced by T.
Protein change: p.Arg81Cys; replaces arginine 81 with cysteine.
Molecular consequence: missense variant.
Genome position (GRCh38, 1-based): chr6:152,520,527, G>A on the plus strand (C>T on the coding strand, the complement: SYNE1 is on the minus strand). VCF-style: chr6-152520527-G-A. GRCh37 (hg19) VCF-style: chr6-152841662-G-A.
Other names: c.241C>T, p.Arg81Cys (NM_033071.5); short protein forms R81C.
Identifiers: ClinVar variation 285295 (VCV000285295.13), dbSNP rs375917264, ClinGen allele CA4059823.